The following is an entry in ClinVar:

NM_020812.4(DOCK6):c.2639G>T (p.Ser880Ile)

Gene: DOCK6 (dedicator of cytokinesis 6; minus strand). Cytogenetic location: 19p13.2.
Variant type: single nucleotide variant.
Coding change: c.2639G>T on transcript NM_020812.4 (MANE Select); coding-DNA position 2639, G replaced by T.
Protein change: p.Ser880Ile; replaces serine 880 with isoleucine.
Molecular consequence: missense variant.
Genome position (GRCh38, 1-based): chr19:11,233,282, C>A on the plus strand (G>T on the coding strand, the complement: DOCK6 is on the minus strand). VCF-style: chr19-11233282-C-A. GRCh37 (hg19) VCF-style: chr19-11343958-C-A.
Other names: c.2639G>T, p.Ser880Ile (NM_001367830.1); c.2639G>T (NM_020812.2); short protein forms S880I.
Identifiers: ClinVar variation 2085867 (VCV002085867.2), dbSNP rs1218010061, ClinGen allele CA404095910.

ClinVar aggregate classification (germline): Uncertain significance. Review status: criteria provided, multiple submitters, no conflicts (2 of 4 stars). 2 submissions from 2 submitters: Uncertain significance (2). Last evaluated 2025-05-19.

Conditions:
Inborn genetic diseases. Identifiers: MedGen C0950123, MeSH D030342.

Allele frequency attached by ClinVar (database versions not stated): gnomAD 0.00001; TOPMed 0.00001.
gnomAD v4.1: 4 of 1,613,808 alleles (0.00025%); highest among the groups gnomAD compares: African/African-American, 0.004%; no homozygotes.

Submissions (2):

Ambry Genetics
Classification: Uncertain significance for Inborn genetic diseases. Last evaluated: 2025-05-19. Review status: criteria provided, single submitter. Criteria: Ambry Variant Classification Scheme 2023. Collection method: clinical testing. Allele origin: germline.

Labcorp Genetics (formerly Invitae), Labcorp
Classification: Uncertain significance. Last evaluated: 2022-05-06. Review status: criteria provided, single submitter. Criteria: Invitae Variant Classification Sherloc (09022015). Collection method: clinical testing. Allele origin: germline.
Comment: This sequence change replaces serine, which is neutral and polar, with isoleucine, which is neutral and non-polar, at codon 880 of the DOCK6 protein (p.Ser880Ile). This variant is present in population databases (no rsID available, gnomAD 0.01%). This variant has not been reported in the literature in individuals affected with DOCK6-related conditions. Algorithms developed to predict the effect of missense changes on protein structure and function are either unavailable or do not agree on the potential impact of this missense change (SIFT: "Tolerated"; PolyPhen-2: "Probably Damaging"; Align-GVGD: "Class C0"). In summary, the available evidence is currently insufficient to determine the role of this variant in disease. Therefore, it has been classified as a Variant of Uncertain Significance.